The following is an entry in ClinVar:

NM_001540.5(HSPB1):c.199G>A (p.Ala67Thr)

Gene: HSPB1 (heat shock protein family B (small) member 1; plus strand). Cytogenetic location: 7q11.23.
Variant type: single nucleotide variant.
Coding change: c.199G>A on transcript NM_001540.5 (MANE Select); coding-DNA position 199, G replaced by A.
Protein change: p.Ala67Thr; replaces alanine 67 with threonine.
Molecular consequence: missense variant.
Genome position (GRCh38, 1-based): chr7:76,302,911, G>A. VCF-style: chr7-76302911-G-A. GRCh37 (hg19) VCF-style: chr7-75932228-G-A.
Other names: short protein forms A67T.
Identifiers: ClinVar variation 2126295 (VCV002126295.4), dbSNP rs753585086, ClinGen allele CA4306286.

ClinVar aggregate classification (germline): Uncertain significance (1 of 4 stars; one submission).

Conditions:
Charcot-Marie-Tooth disease axonal type 2F (CMT2F). Also called: CHARCOT-MARIE-TOOTH DISEASE, NEURONAL, TYPE 2F; Charcot-Marie-Tooth Neuropathy Type 2F. Identifiers: Orphanet 99940, MedGen C1847823, MONDO:0011687, OMIM 606595.

Allele frequency attached by ClinVar (database versions not stated): gnomAD exomes below 0.00001.

Submission:

Labcorp Genetics (formerly Invitae), Labcorp
Classification: Uncertain significance for Charcot-Marie-Tooth disease axonal type 2F. Last evaluated: 2022-10-26. Review status: criteria provided, single submitter. Criteria: Invitae Variant Classification Sherloc (09022015). Collection method: clinical testing. Allele origin: germline.
Comment: In summary, the available evidence is currently insufficient to determine the role of this variant in disease. Therefore, it has been classified as a Variant of Uncertain Significance. Algorithms developed to predict the effect of missense changes on protein structure and function output the following: SIFT: "Tolerated"; PolyPhen-2: "Benign"; Align-GVGD: "Class C0". The threonine amino acid residue is found in multiple mammalian species, which suggests that this missense change does not adversely affect protein function. This variant has not been reported in the literature in individuals affected with HSPB1-related conditions. This variant is not present in population databases (gnomAD no frequency). This sequence change replaces alanine, which is neutral and non-polar, with threonine, which is neutral and polar, at codon 67 of the HSPB1 protein (p.Ala67Thr).